The following is an entry in ClinVar:

ClinVar aggregate classification (germline): Conflicting classifications of pathogenicity. Review status: criteria provided, conflicting classifications (1 of 4 stars). 5 submissions from 5 submitters: Uncertain significance (4); Likely benign (1). Last evaluated 2026-01-16.

Conditions:
Cardiovascular phenotype. Identifiers: MedGen CN230736.
Hereditary cancer-predisposing syndrome. Also called: Hereditary neoplastic syndrome; Neoplastic Syndromes, Hereditary; Tumor predisposition; Hereditary Cancer Syndrome. Identifiers: Orphanet 140162, MedGen C0027672, MeSH D009386, MONDO:0015356.
Juvenile myelomonocytic leukemia (JMML). Also called: LEUKEMIA, JUVENILE MYELOMONOCYTIC, SOMATIC. Identifiers: Orphanet 86834, MedGen C0349639, MONDO:0011908, OMIM 607785, HP:0012209.
Neurofibromatosis-Noonan syndrome (NFNS). Also called: NEUROFIBROMATOSIS WITH NOONAN PHENOTYPE. Identifiers: Orphanet 638, MedGen C2931482, MONDO:0011035, OMIM 601321. Disease mechanism: loss of function.
Neurofibromatosis, familial spinal (FSNF). Identifiers: Orphanet 636, MedGen C1834235, MONDO:0008078, OMIM 162210. Disease mechanism: loss of function.
Neurofibromatosis, type 1 (NF1). Also called: VON RECKLINGHAUSEN DISEASE; Peripheral type neurofibromatosis; NEUROFIBROMATOSIS, TYPE I, SOMATIC; Neurofibromatosis, type I. Identifiers: Orphanet 636, MedGen C0027831, MONDO:0018975, OMIM 162200. Disease mechanism: loss of function.
Café-au-lait macules with pulmonary stenosis (WTSN). Also called: PULMONIC STENOSIS WITH CAFE-AU-LAIT SPOTS. Identifiers: MedGen C0553586, MONDO:0008672, OMIM 193520.

Allele frequency attached by ClinVar (database versions not stated): gnomAD exomes below 0.00001; ExAC 0.00001; gnomAD 0.00003.
gnomAD v4.1: 6 of 1,612,968 alleles (0.00037%); highest among the groups gnomAD compares: Non-Finnish European, 0.00042%; no homozygotes.

Submissions (5):

Labcorp Genetics (formerly Invitae), Labcorp
Classification: Likely benign for Neurofibromatosis, type 1. Last evaluated: 2026-01-16. Review status: criteria provided, single submitter. Criteria: Invitae Variant Classification Sherloc (09022015). Collection method: clinical testing. Allele origin: germline.

Fulgent Genetics
Classification: Uncertain significance for Neurofibromatosis, type 1; Neurofibromatosis, familial spinal; Café-au-lait macules with pulmonary stenosis; Neurofibromatosis-Noonan syndrome; Juvenile myelomonocytic leukemia. Last evaluated: 2024-02-12. Review status: criteria provided, single submitter. Criteria: ACMG Guidelines, 2015. Collection method: clinical testing. Allele origin: germline.

Baylor Genetics
Classification: Uncertain significance for Juvenile myelomonocytic leukemia. Last evaluated: 2023-12-11. Review status: criteria provided, single submitter. Criteria: ACMG Guidelines, 2015. Collection method: clinical testing. Allele origin: unknown.

Ambry Genetics
Classification: Uncertain significance for Cardiovascular phenotype; Hereditary cancer-predisposing syndrome. Last evaluated: 2023-06-28. Review status: criteria provided, single submitter. Criteria: Ambry Variant Classification Scheme 2023. Collection method: clinical testing. Allele origin: germline.
Comment: The p.R1000H variant (also known as c.2999G>A), located in coding exon 23 of the NF1 gene, results from a G to A substitution at nucleotide position 2999. The arginine at codon 1000 is replaced by histidine, an amino acid with highly similar properties. This amino acid position is highly conserved in available vertebrate species. In addition, the in silico prediction for this alteration is inconclusive. Since supporting evidence is limited at this time, the clinical significance of this alteration remains unclear.

Genome-Nilou Lab
Classification: Uncertain significance for Neurofibromatosis, type 1. Last evaluated: 2022-03-15. Review status: criteria provided, single submitter. Criteria: ACMG Guidelines, 2015. Collection method: clinical testing. Allele origin: germline. Affected: no.

NM_001042492.3(NF1):c.2999G>A (p.Arg1000His)

Gene: NF1 (neurofibromin 1; plus strand). Cytogenetic location: 17q11.2.
Variant type: single nucleotide variant.
Coding change: c.2999G>A on transcript NM_001042492.3 (MANE Select); coding-DNA position 2999, G replaced by A.
Protein change: p.Arg1000His; replaces arginine 1000 with histidine.
Molecular consequence: missense variant.
Genome position (GRCh38, 1-based): chr17:31,230,268, G>A. VCF-style: chr17-31230268-G-A. GRCh37 (hg19) VCF-style: chr17-29557286-G-A.
Other names: c.2999G>A, p.Arg1000His (NM_000267.4); short protein forms R1000H.
Identifiers: ClinVar variation 484071 (VCV000484071.15), dbSNP rs753082620, ClinGen allele CA8486074.